The following is an entry in ClinVar:

NM_004082.5(DCTN1):c.1060G>T (p.Ala354Ser)

Gene: DCTN1 (dynactin subunit 1; minus strand). Cytogenetic location: 2p13.1.
Variant type: single nucleotide variant.
Coding change: c.1060G>T on transcript NM_004082.5 (MANE Select); coding-DNA position 1060, G replaced by T.
Protein change: p.Ala354Ser; replaces alanine 354 with serine.
Molecular consequence: missense variant. On other transcripts: non-coding transcript variant (1).
Genome position (GRCh38, 1-based): chr2:74,370,533, C>A on the plus strand (G>T on the coding strand, the complement: DCTN1 is on the minus strand). VCF-style: chr2-74370533-C-A. GRCh37 (hg19) VCF-style: chr2-74597660-C-A.
Other names: c.1000G>T, p.Ala334Ser (NM_001135040.3); c.658G>T, p.Ala220Ser (NM_001135041.3, NM_023019.4); c.949G>T, p.Ala317Ser (NM_001190836.2); c.1039G>T, p.Ala347Ser (NM_001190837.2); c.1009G>T, p.Ala337Ser (NM_001378991.1); c.991G>T, p.Ala331Ser (NM_001378992.1); short protein forms A220S, A317S, A354S, A334S, A347S, A331S, A337S.
Identifiers: ClinVar variation 450791 (VCV000450791.2), dbSNP rs1350015363, ClinGen allele CA347363448.

ClinVar aggregate classification (germline): Uncertain significance (1 of 4 stars; one submission).

gnomAD v4.1: 1 of 1,614,088 alleles (0.000062%); highest among the groups gnomAD compares: Non-Finnish European, 0.000085%; no homozygotes.

Submission:

GeneDx
Classification: Uncertain significance. Last evaluated: 2017-07-26. Review status: criteria provided, single submitter. Criteria: GeneDx Variant Classification (06012015). Collection method: clinical testing. Allele origin: germline. Affected: yes.
Comment: The A354S variant in the DCTN1 gene has not been reported previously as a pathogenic variant, nor as a benign variant, to our knowledge. The A354S variant is not observed in large population cohorts (Lek et al., 2016; 1000 Genomes Consortium et al., 2015; Exome Variant Server). The A354S variant is a non-conservative amino acid substitution, which is likely to impact secondary protein structure as these residues differ in polarity, charge, size and/or other properties. This substitution occurs at a position that is conserved across species. In silico analysis is inconsistent in its predictions as to whether or not the variant is damaging to the protein structure/function. We interpret A354S as a variant of uncertain significance